The following is an entry in ClinVar:

NM_003632.3(CNTNAP1):c.3605A>T (p.Asn1202Ile)

Gene: CNTNAP1 (contactin associated protein 1; plus strand). Cytogenetic location: 17q21.2.
Variant type: single nucleotide variant.
Coding change: c.3605A>T on transcript NM_003632.3 (MANE Select); coding-DNA position 3605, A replaced by T.
Protein change: p.Asn1202Ile; replaces asparagine 1202 with isoleucine.
Molecular consequence: missense variant.
Genome position (GRCh38, 1-based): chr17:42,697,590, A>T. VCF-style: chr17-42697590-A-T. GRCh37 (hg19) VCF-style: chr17-40849608-A-T.
Other names: short protein forms N1202I.
Identifiers: ClinVar variation 4074495 (VCV004074495.1).

ClinVar aggregate classification (germline): Uncertain significance (1 of 4 stars; one submission).

Submission:

GeneDx
Classification: Uncertain significance. Last evaluated: 2025-02-06. Review status: criteria provided, single submitter. Criteria: GeneDx Variant Classification Process June 2021. Collection method: clinical testing. Allele origin: germline. Affected: yes.
Comment: Not observed at significant frequency in large population cohorts (gnomAD); In silico analysis supports that this missense variant has a deleterious effect on protein structure/function; Has not been previously published as pathogenic or benign to our knowledge